The following is an entry in ClinVar:

NM_004963.4(GUCY2C):c.2022C>T (p.Ile674=)

Gene: GUCY2C (guanylate cyclase 2C; minus strand). Cytogenetic location: 12p12.3.
Variant type: single nucleotide variant.
Coding change: c.2022C>T on transcript NM_004963.4 (MANE Select); coding-DNA position 2022, C replaced by T.
Protein change: p.Ile674=; no amino-acid change (isoleucine 674 retained).
Molecular consequence: synonymous variant.
Genome position (GRCh38, 1-based): chr12:14,641,128, G>A on the plus strand (C>T on the coding strand, the complement: GUCY2C is on the minus strand). VCF-style: chr12-14641128-G-A. GRCh37 (hg19) VCF-style: chr12-14794062-G-A.
Other names: p.Ile674=.
Identifiers: ClinVar variation 402916 (VCV000402916.17), dbSNP rs10772800, ClinGen allele CA6463216.

ClinVar aggregate classification (germline): Benign. Review status: criteria provided, multiple submitters, no conflicts (2 of 4 stars). 6 submissions from 5 submitters: Benign (6). Last evaluated 2026-02-04.

Conditions:
Intestinal obstruction in the newborn due to guanylate cyclase 2C deficiency. Identifiers: Orphanet 314376, MedGen C4518781, MONDO:0013843, OMIM 614665.
Congenital diarrhea 6. Identifiers: Orphanet 314373, MedGen C3553270, MONDO:0013825, OMIM 614616.

Allele frequency attached by ClinVar (database versions not stated): 1000 Genomes Project 30x 0.81433; ESP Exome Variant Server 0.81962; 1000 Genomes Project 0.82348; TOPMed 0.82385; gnomAD 0.83038 and 0.84091; ExAC 0.94109; gnomAD exomes 0.94999 and 0.97492.
gnomAD v4.1: 1,551,643 of 1,613,586 alleles (96%); highest among the groups gnomAD compares: Non-Finnish European, 99%; 755,917 homozygotes.

Submissions (6):

Labcorp Genetics (formerly Invitae), Labcorp
Classification: Benign. Last evaluated: 2026-02-04. Review status: criteria provided, single submitter. Criteria: Invitae Variant Classification Sherloc (09022015). Collection method: clinical testing. Allele origin: germline.

Mayo Clinic Laboratories, Mayo Clinic
Classification: Benign. Last evaluated: 2022-09-06. Review status: criteria provided, single submitter. Criteria: ACMG Guidelines, 2015. Collection method: clinical testing. Allele origin: germline. Observed: 93 variant alleles.

Genome-Nilou Lab
Classification: Benign for Congenital diarrhea 6. Last evaluated: 2021-08-10. Review status: criteria provided, single submitter. Criteria: ACMG Guidelines, 2015. Collection method: clinical testing. Allele origin: germline. Affected: no.

Genome-Nilou Lab
Classification: Benign for Intestinal obstruction in the newborn due to guanylate cyclase 2C deficiency. Last evaluated: 2021-08-10. Review status: criteria provided, single submitter. Criteria: ACMG Guidelines, 2015. Collection method: clinical testing. Allele origin: germline. Affected: no.

Laboratory for Molecular Medicine, Mass General Brigham Personalized Medicine
Classification: Benign. Last evaluated: 2016-03-29. Review status: criteria provided, single submitter. Criteria: LMM Criteria. Collection method: clinical testing. Allele origin: germline.
Comment: Variant identified in a genome or exome case(s) and assessed due to predicted null impact of the variant or pathogenic assertions in the literature or databases. Disclaimer: This variant has not undergone full assessment. The following are preliminary notes: Frequency

Breakthrough Genomics
Classification: Benign. Review status: criteria provided, single submitter. Criteria: ACMG Guidelines, 2015. Collection method: not provided. Allele origin: germline. Inheritance: Autosomal recessive inheritance. Affected: yes.